The following is an entry in ClinVar:

NC_000006.11:g.(?_10784637)_(10784825_?)dup

Gene: MAK (male germ cell associated kinase; minus strand). Cytogenetic location: 6p24.2.
Variant type: Duplication.
Identifiers: ClinVar variation 1504660 (VCV001504660.5).

ClinVar aggregate classification (germline): Likely pathogenic (1 of 4 stars; one submission).

Submission:

Labcorp Genetics (formerly Invitae), Labcorp
Classification: Likely pathogenic. Last evaluated: 2022-06-13. Review status: criteria provided, single submitter. Criteria: Invitae Variant Classification Sherloc (09022015). Collection method: clinical testing. Allele origin: germline.
Comment: In summary, the currently available evidence indicates that the variant is pathogenic, but additional data are needed to prove that conclusively. Therefore, this variant has been classified as Likely Pathogenic. This variant has not been reported in the literature in individuals affected with MAK-related conditions. This variant results in a copy number gain of the genomic region encompassing exon(s) 10 of the MAK gene. While the exact position of this variant cannot be determined from the data, sub-genic copy number gains are generally in tandem (PMID: 25640679). This variant is predicted to be out-of-frame, and may result in an absent or disrupted protein product. Loss-of-function variants in MAK are known to be pathogenic (PMID: 21148103, 21825139, 24938718, 29781741).

Literature cited by the submitters: PubMed 25640679; PubMed 21148103; PubMed 21825139; PubMed 24938718; PubMed 29781741.